The following is an entry in ClinVar:

NM_000077.5(CDKN2A):c.58G>C (p.Ala20Pro)

Gene: CDKN2A (cyclin dependent kinase inhibitor 2A; minus strand). Cytogenetic location: 9p21.3.
Variant type: single nucleotide variant.
Coding change: c.58G>C on transcript NM_000077.5; coding-DNA position 58, G replaced by C.
Protein change: p.Ala20Pro; replaces alanine 20 with proline.
Molecular consequence: missense variant (on NM_000077.6). On other transcripts: intron variant (2).
Genome position (GRCh38, 1-based): chr9:21,974,770, C>G on the plus strand (G>C on the coding strand, the complement: CDKN2A is on the minus strand). VCF-style: chr9-21974770-C-G. GRCh37 (hg19) VCF-style: chr9-21974769-C-G.
Other names: c.58G>C, p.Ala20Pro (NM_000077.6, NM_001195132.2, NM_058197.5); c.-3-3562G>C (NM_001363763.2); c.194-3562G>C (NM_058195.4); short protein forms A20P.
Identifiers: ClinVar variation 576362 (VCV000576362.13), dbSNP rs760065045, ClinGen allele CA373086634.

ClinVar aggregate classification (germline): Conflicting classifications of pathogenicity. Review status: criteria provided, conflicting classifications (1 of 4 stars). 3 submissions from 3 submitters: Likely pathogenic (2); Uncertain significance (1). Last evaluated 2025-08-14.

Conditions:
Hereditary cancer-predisposing syndrome. Also called: Hereditary neoplastic syndrome; Neoplastic Syndromes, Hereditary; Hereditary Cancer Syndrome; Tumor predisposition. Identifiers: Orphanet 140162, MedGen C0027672, MeSH D009386, MONDO:0015356.
Familial melanoma. Also called: Hereditary melanoma; Hereditary cutaneous melanoma. Identifiers: Orphanet 618, MedGen C1512419, MONDO:0018961.
Melanoma-pancreatic cancer syndrome. Identifiers: Orphanet 404560, MedGen C1838547, MONDO:0011713, OMIM 606719. Disease mechanism: loss of function.

Submissions (3):

Myriad Genetics, Inc.
Classification: Likely pathogenic for Melanoma-pancreatic cancer syndrome. Last evaluated: 2025-08-14. Review status: criteria provided, single submitter. Criteria: Myriad Autosomal Dominant, Autosomal Recessive and X-Linked Classification Criteria (2023). Collection method: clinical testing. Allele origin: unknown.
Comment: This variant is considered likely pathogenic. Functional studies indicate this variant impacts protein function [PMID: 10498896, 17909018].

Ambry Genetics
Classification: Likely pathogenic for Hereditary cancer-predisposing syndrome. Last evaluated: 2024-10-24. Review status: criteria provided, single submitter. Criteria: Ambry Variant Classification Scheme 2023. Collection method: clinical testing. Allele origin: germline.
Comment: The p.A20P variant (also known as c.58G>C), located in coding exon 1 of the CDKN2A gene, results from a G to C substitution at nucleotide position 58. The alanine at codon 20 is replaced by proline, an amino acid with highly similar properties. This alteration has been observed in at least one family with a clinical history that is consistent with familial pancreatic cancer and melanoma (Ambry internal data). In vitro protein functional assays demonstrated that expressed protein with this alteration was unable to bind to CDK4 or CDK6 (Ruas M et al. Oncogene. 1999 Sep;18:5423-34; Miller PJ et al. Hum Mutat. 2011 Aug;32:900-11). Based on internal structural analysis, the variant is moderately destabilizing to the local structure. This variant is considered to be rare based on population cohorts in the Genome Aggregation Database (gnomAD). This amino acid position is highly conserved in available vertebrate species. In addition, this alteration is predicted to be deleterious by in silico analysis. Based on the majority of available evidence to date, this variant is likely to be pathogenic.

Labcorp Genetics (formerly Invitae), Labcorp
Classification: Uncertain significance for Familial melanoma. Last evaluated: 2022-05-15. Review status: criteria provided, single submitter. Criteria: Invitae Variant Classification Sherloc (09022015). Collection method: clinical testing. Allele origin: germline.
Comment: In summary, the available evidence is currently insufficient to determine the role of this variant in disease. Therefore, it has been classified as a Variant of Uncertain Significance. Experimental studies have shown that this missense change affects CDKN2A (p16INK4a) function (PMID: 10951521, 11556834, 12700603, 17909018, 21462282). Algorithms developed to predict the effect of missense changes on protein structure and function are either unavailable or do not agree on the potential impact of this missense change (SIFT: "Tolerated"; PolyPhen-2: "Probably Damaging"; Align-GVGD: "Class C0"). This variant is not present in population databases (gnomAD no frequency). ClinVar contains an entry for this variant (Variation ID: 576362). This variant has not been reported in the literature in individuals affected with CDKN2A (p16INK4a)-related conditions. This sequence change replaces alanine, which is neutral and non-polar, with proline, which is neutral and non-polar, at codon 20 of the CDKN2A (p16INK4a) protein (p.Ala20Pro).

Literature cited by the submitters: PubMed 10498896 (cited by Myriad Genetics, Inc. and Ambry Genetics); PubMed 17909018 (cited by Myriad Genetics, Inc. and Labcorp Genetics (formerly Invitae), Labcorp); PubMed 21462282 (cited by Ambry Genetics and Labcorp Genetics (formerly Invitae), Labcorp); PubMed 10951521 (cited by Labcorp Genetics (formerly Invitae), Labcorp); PubMed 11556834 (cited by Labcorp Genetics (formerly Invitae), Labcorp); PubMed 12700603 (cited by Labcorp Genetics (formerly Invitae), Labcorp).